The following is an entry in ClinVar:

ClinVar aggregate classification (germline): Likely benign. Review status: criteria provided, multiple submitters, no conflicts (2 of 4 stars). 5 submissions from 5 submitters: Likely benign (4). 1 of the submissions does not count toward it. Last evaluated 2026-03-17.

Conditions:
MYO15A-related disorder. Also called: MYO15A-related condition.

Allele frequency attached by ClinVar (database versions not stated): gnomAD exomes 0.00008 and 0.00017; ExAC 0.00010; 1000 Genomes Project 0.00040; 1000 Genomes Project 30x 0.00062; TOPMed 0.00097; gnomAD 0.00099 and 0.00113.
gnomAD v4.1: 264 of 1,485,694 alleles (0.018%); highest among the groups gnomAD compares: African/African-American, 0.33%; 2 homozygotes.

Submissions (5):

Women's Health and Genetics/Laboratory Corporation of America, LabCorp
Classification: Likely benign. Last evaluated: 2026-03-17. Review status: criteria provided, single submitter. Criteria: LabCorp Variant Classification Summary - May 2015. Collection method: clinical testing. Allele origin: germline.

Labcorp Genetics (formerly Invitae), Labcorp
Classification: Likely benign. Last evaluated: 2026-01-28. Review status: criteria provided, single submitter. Criteria: Invitae Variant Classification Sherloc (09022015). Collection method: clinical testing. Allele origin: germline.

Blueprint Genetics
Classification: Likely benign. Last evaluated: 2024-10-18. Review status: criteria provided, single submitter. Criteria: ACMG Guidelines, 2015. Collection method: clinical testing. Allele origin: germline.

GeneDx
Classification: Likely benign. Last evaluated: 2021-03-17. Review status: criteria provided, single submitter. Criteria: GeneDx Variant Classification Process June 2021. Collection method: clinical testing. Allele origin: germline. Affected: yes.

PreventionGenetics, part of Exact Sciences
Classification: Likely benign for MYO15A-related condition. Last evaluated: 2020-03-02. Review status: no assertion criteria provided. Collection method: clinical testing. Allele origin: germline. Not counted in ClinVar's aggregate classification.
Comment: This variant is classified as likely benign based on ACMG/AMP sequence variant interpretation guidelines (Richards et al. 2015 PMID: 25741868, with internal and published modifications).

NM_016239.4(MYO15A):c.2163C>T (p.Phe721=)

Gene: MYO15A (myosin XVA; plus strand). Cytogenetic location: 17p11.2.
Variant type: single nucleotide variant.
Coding change: c.2163C>T on transcript NM_016239.4 (MANE Select); coding-DNA position 2163, C replaced by T.
Protein change: p.Phe721=; no amino-acid change (phenylalanine 721 retained).
Molecular consequence: synonymous variant.
Genome position (GRCh38, 1-based): chr17:18,120,963, C>T. VCF-style: chr17-18120963-C-T. GRCh37 (hg19) VCF-style: chr17-18024277-C-T.
Identifiers: ClinVar variation 1183376 (VCV001183376.14), dbSNP rs572234398, ClinGen allele CA8423233.